The following is an entry in ClinVar:

NM_004076.5(CRYBB3):c.412A>G (p.Ser138Gly)

Gene: CRYBB3 (crystallin beta B3; plus strand). Cytogenetic location: 22q11.23.
Variant type: single nucleotide variant.
Coding change: c.412A>G on transcript NM_004076.5 (MANE Select); coding-DNA position 412, A replaced by G.
Protein change: p.Ser138Gly; replaces serine 138 with glycine.
Molecular consequence: missense variant.
Genome position (GRCh38, 1-based): chr22:25,205,304, A>G. VCF-style: chr22-25205304-A-G. GRCh37 (hg19) VCF-style: chr22-25601271-A-G.
Other names: short protein forms S138G.
Identifiers: ClinVar variation 4698181 (VCV004698181.1).

ClinVar aggregate classification (germline): Uncertain significance (1 of 4 stars; one submission).

Conditions:
Cataract 22 multiple types. Also called: CATARACT 22, NUCLEAR, AUTOSOMAL RECESSIVE; CATARACT 22, MULTIPLE TYPES, AUTOSOMAL DOMINANT; Cataract 22. Identifiers: Orphanet 91492, MedGen C1857853, MONDO:0012336, OMIM 609741.

gnomAD v4.1: 1 of 1,614,162 alleles (0.000062%); no homozygotes.

Submission:

Labcorp Genetics (formerly Invitae), Labcorp
Classification: Uncertain significance for Cataract 22 multiple types. Last evaluated: 2025-12-23. Review status: criteria provided, single submitter. Criteria: Invitae Variant Classification Sherloc (09022015). Collection method: clinical testing. Allele origin: germline.
Comment: This sequence change replaces serine, which is neutral and polar, with glycine, which is neutral and non-polar, at codon 138 of the CRYBB3 protein (p.Ser138Gly). This variant is not present in population databases (gnomAD no frequency). This variant has not been reported in the literature in individuals affected with CRYBB3-related conditions. An algorithm developed to predict the effect of missense changes on protein structure and function (PolyPhen-2) suggests that this variant is likely to be disruptive. In summary, the available evidence is currently insufficient to determine the role of this variant in disease. Therefore, it has been classified as a Variant of Uncertain Significance.